The following is an entry in ClinVar:

ClinVar aggregate classification (germline): Uncertain significance. Review status: criteria provided, multiple submitters, no conflicts (2 of 4 stars). 2 submissions from 2 submitters: Uncertain significance (2). Last evaluated 2025-11-13.

Conditions:
Cardiovascular phenotype. Identifiers: MedGen CN230736.
Long QT syndrome (LQTS). Identifiers: MedGen C0023976, MeSH D008133, MONDO:0002442. Disease mechanism: loss of function. Inheritance: Various modes of inheritance.

Allele frequency attached by ClinVar (database versions not stated): gnomAD exomes below 0.00001; TOPMed 0.00001.
gnomAD v4.1: 3 of 1,390,508 alleles (0.00022%); highest among the groups gnomAD compares: Non-Finnish European, 0.00029%; no homozygotes.

Submissions (2):

Ambry Genetics
Classification: Uncertain significance for Cardiovascular phenotype. Last evaluated: 2025-11-13. Review status: criteria provided, single submitter. Criteria: Ambry Variant Classification Scheme 2023. Collection method: clinical testing. Allele origin: germline.

Labcorp Genetics (formerly Invitae), Labcorp
Classification: Uncertain significance for Long QT syndrome. Last evaluated: 2022-10-27. Review status: criteria provided, single submitter. Criteria: Invitae Variant Classification Sherloc (09022015). Collection method: clinical testing. Allele origin: germline.
Comment: This sequence change replaces aspartic acid, which is acidic and polar, with glycine, which is neutral and non-polar, at codon 313 of the AKAP9 protein (p.Asp313Gly). In summary, the available evidence is currently insufficient to determine the role of this variant in disease. Therefore, it has been classified as a Variant of Uncertain Significance. Algorithms developed to predict the effect of missense changes on protein structure and function (SIFT, PolyPhen-2, Align-GVGD) all suggest that this variant is likely to be tolerated. This variant has not been reported in the literature in individuals affected with AKAP9-related conditions. This variant is not present in population databases (gnomAD no frequency).

NM_005751.5(AKAP9):c.938A>G (p.Asp313Gly)

Gene: AKAP9 (A-kinase anchoring protein 9; plus strand). Cytogenetic location: 7q21.2.
Variant type: single nucleotide variant.
Coding change: c.938A>G on transcript NM_005751.5 (MANE Select); coding-DNA position 938, A replaced by G.
Protein change: p.Asp313Gly; replaces aspartic acid 313 with glycine.
Molecular consequence: missense variant.
Genome position (GRCh38, 1-based): chr7:92,000,855, A>G. VCF-style: chr7-92000855-A-G. GRCh37 (hg19) VCF-style: chr7-91630169-A-G.
Other names: c.938A>G, p.Asp313Gly (NM_147185.3); short protein forms D313G.
Identifiers: ClinVar variation 2161877 (VCV002161877.5), dbSNP rs1799069782, ClinGen allele CA368120624.